The following is an entry in ClinVar:

NM_012418.4(FSCN2):c.691C>T (p.Pro231Ser)

Gene: FSCN2 (fascin actin-bundling protein 2, retinal; plus strand). Cytogenetic location: 17q25.3.
Variant type: single nucleotide variant.
Coding change: c.691C>T on transcript NM_012418.4 (MANE Select); coding-DNA position 691, C replaced by T.
Protein change: p.Pro231Ser; replaces proline 231 with serine.
Molecular consequence: missense variant.
Genome position (GRCh38, 1-based): chr17:81,529,222, C>T. VCF-style: chr17-81529222-C-T. GRCh37 (hg19) VCF-style: chr17-79496248-C-T.
Other names: c.691C>T, p.Pro231Ser (NM_001077182.3); short protein forms P231S.
Identifiers: ClinVar variation 852435 (VCV000852435.12), dbSNP rs150620080, ClinGen allele CA8836753.

ClinVar aggregate classification (germline): Likely benign. Review status: criteria provided, multiple submitters, no conflicts (2 of 4 stars). 3 submissions from 3 submitters: Likely benign (2). 1 of the submissions does not count toward it. Last evaluated 2025-12-30.

Conditions:
FSCN2-related disorder. Also called: FSCN2-related condition.

Allele frequency attached by ClinVar (database versions not stated): 1000 Genomes Project 30x 0.00016; ESP Exome Variant Server 0.00064; 1000 Genomes Project 0.00020; TOPMed 0.00048; gnomAD 0.00064; gnomAD exomes 0.00068; ExAC 0.00114.
gnomAD v4.1: 1,056 of 1,599,126 alleles (0.066%); highest among the groups gnomAD compares: Middle Eastern, 0.22%; 3 homozygotes.

Submissions (3):

Labcorp Genetics (formerly Invitae), Labcorp
Classification: Likely benign. Last evaluated: 2025-12-30. Review status: criteria provided, single submitter. Criteria: Invitae Variant Classification Sherloc (09022015). Collection method: clinical testing. Allele origin: germline.

Breakthrough Genomics
Classification: Likely benign. Review status: criteria provided, single submitter. Criteria: ACMG Guidelines, 2015. Collection method: not provided. Allele origin: germline. Inheritance: Unknown mechanism. Affected: yes.

PreventionGenetics, part of Exact Sciences
Classification: Likely benign for FSCN2-related condition. Last evaluated: 2022-05-05. Review status: no assertion criteria provided. Collection method: clinical testing. Allele origin: germline. Not counted in ClinVar's aggregate classification.
Comment: This variant is classified as likely benign based on ACMG/AMP sequence variant interpretation guidelines (Richards et al. 2015 PMID: 25741868, with internal and published modifications).